The following is an entry in ClinVar:

NM_000158.4(GBE1):c.(992+1_993-1)_(1618+1_1619-1)del (p.Ser331Argfs)

Gene: GBE1 (1,4-alpha-glucan branching enzyme 1; minus strand). Cytogenetic location: 3p12.2.
Variant type: Deletion.
Coding change: c.(992+1_993-1)_(1618+1_1619-1)del on transcript NM_000158.4; a large deletion whose breakpoints are not mapped to the base.
Other names: c.992_1619del; c.(992+1_993-1)_(1618+1_1619-1)del (NM_000158.4).
Identifiers: ClinVar variation 2783 (VCV000002783.5).

ClinVar aggregate classification (germline): Pathogenic. Review status: no assertion criteria provided (0 of 4 stars). 2 submissions from 2 submitters: Pathogenic (2). Last evaluated 2009-04-02.

Conditions:
Glycogen storage disease, type IV (GSD4). Also called: AMYLOPECTINOSIS; ANDERSEN DISEASE; BRANCHER DEFICIENCY; Glycogen storage disease due to glycogen branching enzyme deficiency; CIRRHOSIS, FAMILIAL, WITH DEPOSITION OF ABNORMAL GLYCOGEN; GBE1 DEFICIENCY. Identifiers: Orphanet 367, MedGen C0017923, MONDO:0009292, OMIM 232500.
Glycogen storage disease due to glycogen branching enzyme deficiency, congenital neuromuscular form. Also called: GSD IV, NEUROMUSCULAR FORM, CONGENITAL; GLYCOGEN STORAGE DISEASE IV, CONGENITAL NEUROMUSCULAR. Identifiers: Orphanet 308670, MedGen C1856304, MONDO:0017698.

Submissions (2):

GeneReviews
Classification: Pathogenic for Adult Polyglucosan Body Disease. Last evaluated: 2009-04-02. Review status: no assertion criteria provided. Collection method: curation. Allele origin: unknown.
ClinVar note: Converted during submission from pathologic to Pathogenic.

OMIM
Classification: Pathogenic for GLYCOGEN STORAGE DISEASE IV, CONGENITAL NEUROMUSCULAR. Last evaluated: 2004-04-01. Review status: no assertion criteria provided. Collection method: literature only. Allele origin: germline.

Literature cited by the submitters: PubMed 15019703 (cited by OMIM).